The following is an entry in ClinVar:

NM_017617.5(NOTCH1):c.4951T>G (p.Ser1651Ala)

Gene: NOTCH1 (notch receptor 1; minus strand). Cytogenetic location: 9q34.3.
Variant type: single nucleotide variant.
Coding change: c.4951T>G on transcript NM_017617.5 (MANE Select); coding-DNA position 4951, T replaced by G.
Protein change: p.Ser1651Ala; replaces serine 1651 with alanine.
Molecular consequence: missense variant.
Genome position (GRCh38, 1-based): chr9:136,504,740, A>C on the plus strand (T>G on the coding strand, the complement: NOTCH1 is on the minus strand). VCF-style: chr9-136504740-A-C. GRCh37 (hg19) VCF-style: chr9-139399192-A-C.
Other names: short protein forms S1651A.
Identifiers: ClinVar variation 1744336 (VCV001744336.2), dbSNP rs2133335927, ClinGen allele CA375644262.

ClinVar aggregate classification (germline): Uncertain significance (1 of 4 stars; one submission).

Conditions:
Familial thoracic aortic aneurysm and aortic dissection (TAAD). Also called: Thoracic aortic aneurysms and dissections. Identifiers: Orphanet 91387, MedGen C4707243, MONDO:0019625.

Submission:

Ambry Genetics
Classification: Uncertain significance for Familial thoracic aortic aneurysm and aortic dissection. Last evaluated: 2021-11-19. Review status: criteria provided, single submitter. Criteria: Ambry Variant Classification Scheme 2023. Collection method: clinical testing. Allele origin: germline.
Comment: The p.S1651A variant (also known as c.4951T>G), located in coding exon 26 of the NOTCH1 gene, results from a T to G substitution at nucleotide position 4951. The serine at codon 1651 is replaced by alanine, an amino acid with similar properties. This amino acid position is conserved. In addition, this alteration is predicted to be tolerated by in silico analysis. Since supporting evidence is limited at this time, the clinical significance of this alteration remains unclear.